The following is an entry in ClinVar:

ClinVar aggregate classification (germline): Uncertain significance. Review status: criteria provided, multiple submitters, no conflicts (2 of 4 stars). 3 submissions from 3 submitters: Uncertain significance (3). Last evaluated 2024-03-07.

Conditions:
Cardiovascular phenotype. Identifiers: MedGen CN230736.
Familial hypobetalipoproteinemia 1. Also called: APOB-Related Familial Hypobetalipoproteinemia; Hypobetalipoproteinemia, normotriglyceridemic; Acanthocytosis with hypobetalipoproteinemia. Identifiers: MedGen C4551990, MONDO:0014252, OMIM 615558.
Hypercholesterolemia, autosomal dominant, type B (FHCL2). Also called: Familial Hypercholesterolemia Type B; APOLIPOPROTEIN B-100, FAMILIAL DEFECTIVE; APOLIPOPROTEIN B-100, FAMILIAL LIGAND-DEFECTIVE; HYPERCHOLESTEROLEMIA, FAMILIAL, DUE TO LIGAND-DEFECTIVE APOLIPOPROTEIN B; Hyperlipoproteinemia Type IIb; Familial hypercholesterolemia 2. Identifiers: MedGen C1704417, MONDO:0007751, OMIM 144010.

Allele frequency attached by ClinVar (database versions not stated): gnomAD exomes 0.00001 and 0.00002; TOPMed 0.00001; ExAC 0.00002; gnomAD 0.00001.
gnomAD v4.1: 30 of 1,614,020 alleles (0.0019%); highest among the groups gnomAD compares: Non-Finnish European, 0.0025%; no homozygotes.

Submissions (3):

Ambry Genetics
Classification: Uncertain significance for Cardiovascular phenotype. Last evaluated: 2024-03-07. Review status: criteria provided, single submitter. Criteria: Ambry Variant Classification Scheme 2023. Collection method: clinical testing. Allele origin: germline.
Comment: The p.T2001I variant (also known as c.6002C>T), located in coding exon 26 of the APOB gene, results from a C to T substitution at nucleotide position 6002. The threonine at codon 2001 is replaced by isoleucine, an amino acid with similar properties. This amino acid position is conserved. In addition, this alteration is predicted to be tolerated by in silico analysis. Based on the available evidence, the clinical significance of this alteration remains unclear.

Labcorp Genetics (formerly Invitae), Labcorp
Classification: Uncertain significance for Familial hypobetalipoproteinemia 1; Hypercholesterolemia, autosomal dominant, type B. Last evaluated: 2023-12-11. Review status: criteria provided, single submitter. Criteria: Invitae Variant Classification Sherloc (09022015). Collection method: clinical testing. Allele origin: germline.
Comment: This sequence change replaces threonine, which is neutral and polar, with isoleucine, which is neutral and non-polar, at codon 2001 of the APOB protein (p.Thr2001Ile). This variant is present in population databases (rs763424475, gnomAD 0.003%). This variant has not been reported in the literature in individuals affected with APOB-related conditions. ClinVar contains an entry for this variant (Variation ID: 918982). Advanced modeling of protein sequence and biophysical properties (such as structural, functional, and spatial information, amino acid conservation, physicochemical variation, residue mobility, and thermodynamic stability) performed at Invitae indicates that this missense variant is not expected to disrupt APOB protein function with a negative predictive value of 95%. In summary, the available evidence is currently insufficient to determine the role of this variant in disease. Therefore, it has been classified as a Variant of Uncertain Significance.

Quest Diagnostics Nichols Institute San Juan Capistrano
Classification: Uncertain significance. Last evaluated: 2023-11-16. Review status: criteria provided, single submitter. Criteria: Quest Diagnostics criteria. Collection method: clinical testing. Allele origin: unknown.
Comment: The APOB c.6002C>T (p.Thr2001Ile) variant has not been reported in individuals with APOB-related conditions in the published literature. The frequency of this variant in the general population, 0.000008 (2/251284 chromosomes (Genome Aggregation Database)), is uninformative in the assessment of its pathogenicity. Analysis of this variant using bioinformatics tools for the prediction of the effect of amino acid changes on protein structure and function yielded predictions that this variant is benign. Based on the available information, we are unable to determine the clinical significance of this variant.

NM_000384.3(APOB):c.6002C>T (p.Thr2001Ile)

Gene: APOB (apolipoprotein B; minus strand). Cytogenetic location: 2p24.1.
Variant type: single nucleotide variant.
Coding change: c.6002C>T on transcript NM_000384.3 (MANE Select); coding-DNA position 6002, C replaced by T.
Protein change: p.Thr2001Ile; replaces threonine 2001 with isoleucine.
Molecular consequence: missense variant.
Genome position (GRCh38, 1-based): chr2:21,010,866, G>A on the plus strand (C>T on the coding strand, the complement: APOB is on the minus strand). VCF-style: chr2-21010866-G-A. GRCh37 (hg19) VCF-style: chr2-21233738-G-A.
Other names: short protein forms T2001I.
Identifiers: ClinVar variation 2936122 (VCV002936122.5), dbSNP rs763424475, ClinGen allele CA062726.
Genomic context (GRCh38, chr2:21,010,866, plus strand): 5'-TCTAGTAGAGTTAGGTCAGCCAGAGTTCGTCCAGTAAGCTCCACGCCAATTTTATCTTTA[G>A]TGTTGTAAGCATCCAAGTCCTGGCTGTATTCATTGTTGTTAAATTGGGTCTTGAGTTTCC-3'
Protein context (NP_000375.3, residues 1991-2011): EYSQDLDAYN[Thr2001Ile]KDKIGVELTG